The following is an entry in ClinVar:

ClinVar aggregate classification (germline): Likely benign. Review status: criteria provided, multiple submitters, no conflicts (2 of 4 stars). 5 submissions from 5 submitters: Likely benign (5). Last evaluated 2026-01-25.

Conditions:
CDH23-related disorder. Also called: CDH23-related disorders; CDH23-related condition.

Allele frequency attached by ClinVar (database versions not stated): TOPMed 0.00005; 1000 Genomes Project 30x 0.00016; 1000 Genomes Project 0.00020.
gnomAD v4.1: 74 of 1,604,162 alleles (0.0046%); highest among the groups gnomAD compares: Admixed American, 0.039%; 1 homozygote.

Submissions (5):

Labcorp Genetics (formerly Invitae), Labcorp
Classification: Likely benign. Last evaluated: 2026-01-25. Review status: criteria provided, single submitter. Criteria: Invitae Variant Classification Sherloc (09022015). Collection method: clinical testing. Allele origin: germline.

Women's Health and Genetics/Laboratory Corporation of America, LabCorp
Classification: Likely benign. Last evaluated: 2025-10-28. Review status: criteria provided, single submitter. Criteria: LabCorp Variant Classification Summary - May 2015. Collection method: clinical testing. Allele origin: germline.

PreventionGenetics, part of Exact Sciences
Classification: Likely benign for CDH23-related condition. Last evaluated: 2025-08-19. Review status: criteria provided, single submitter. Criteria: ACMG Guidelines, 2015. Collection method: clinical testing. Allele origin: germline.
Comment: This variant is classified as likely benign based on ACMG/AMP sequence variant interpretation guidelines (Richards et al. 2015 PMID: 25741868, with internal and published modifications).

Blueprint Genetics
Classification: Likely benign. Last evaluated: 2022-05-10. Review status: criteria provided, single submitter. Criteria: ACMG Guidelines, 2015. Collection method: clinical testing. Allele origin: germline.

GeneDx
Classification: Likely benign. Last evaluated: 2019-10-17. Review status: criteria provided, single submitter. Criteria: GeneDx Variant Classification Process June 2021. Collection method: clinical testing. Allele origin: germline. Affected: yes.
Comment: This variant is associated with the following publications: (PMID: 18429043)

NM_022124.6(CDH23):c.2976G>A (p.Thr992=)

Gene: CDH23 (cadherin related 23; plus strand). Cytogenetic location: 10q22.1.
Variant type: single nucleotide variant.
Coding change: c.2976G>A on transcript NM_022124.6 (MANE Select); coding-DNA position 2976, G replaced by A.
Protein change: p.Thr992=; no amino-acid change (threonine 992 retained).
Molecular consequence: synonymous variant.
Genome position (GRCh38, 1-based): chr10:71,706,919, G>A. VCF-style: chr10-71706919-G-A. GRCh37 (hg19) VCF-style: chr10-73466676-G-A.
Other names: c.2976G>A, p.Thr992= (NM_001171930.2, NM_001171931.2).
Identifiers: ClinVar variation 742223 (VCV000742223.16), dbSNP rs553405751, ClinGen allele CA5544412.